The following is an entry in ClinVar:

NM_004984.4(KIF5A):c.2958C>T (p.Pro986=)

Gene: KIF5A (kinesin family member 5A; plus strand). Cytogenetic location: 12q13.3.
Variant type: single nucleotide variant.
Coding change: c.2958C>T on transcript NM_004984.4 (MANE Select); coding-DNA position 2958, C replaced by T.
Protein change: p.Pro986=; no amino-acid change (proline 986 retained).
Molecular consequence: synonymous variant.
Genome position (GRCh38, 1-based): chr12:57,581,918, C>T. VCF-style: chr12-57581918-C-T. GRCh37 (hg19) VCF-style: chr12-57975701-C-T.
Other names: c.2691C>T, p.Pro897= (NM_001354705.2); c.2958C>T (NM_004984.2).
Identifiers: ClinVar variation 1645396 (VCV001645396.9), dbSNP rs1236499166, ClinGen allele CA480266250.

ClinVar aggregate classification (germline): Likely benign. Review status: criteria provided, single submitter (1 of 4 stars). 2 submissions from 2 submitters: Likely benign (1). 1 of the submissions does not count toward it. Last evaluated 2021-05-26.

Conditions:
KIF5A-related disorder. Also called: KIF5A-related condition; KIF5A-related disorders.
Spastic paraplegia. Identifiers: MedGen C0037772, HP:0001258.

Allele frequency attached by ClinVar (database versions not stated): gnomAD exomes below 0.00001.

Submissions (2):

Labcorp Genetics (formerly Invitae), Labcorp
Classification: Likely benign for Spastic paraplegia. Last evaluated: 2021-05-26. Review status: criteria provided, single submitter. Criteria: Invitae Variant Classification Sherloc (09022015). Collection method: clinical testing. Allele origin: germline.

PreventionGenetics, part of Exact Sciences
Classification: Likely benign for KIF5A-related condition. Last evaluated: 2022-12-01. Review status: no assertion criteria provided. Collection method: clinical testing. Allele origin: germline. Not counted in ClinVar's aggregate classification.
Comment: This variant is classified as likely benign based on ACMG/AMP sequence variant interpretation guidelines (Richards et al. 2015 PMID: 25741868, with internal and published modifications).